The following is an entry in ClinVar:

ClinVar aggregate classification (germline): Uncertain significance. Review status: criteria provided, multiple submitters, no conflicts (2 of 4 stars). 2 submissions from 2 submitters: Uncertain significance (2). Last evaluated 2024-05-01.

Conditions:
Inborn genetic diseases. Identifiers: MedGen C0950123, MeSH D030342.

Allele frequency attached by ClinVar (database versions not stated): gnomAD exomes 0.00001; ExAC 0.00003; gnomAD 0.00006; TOPMed 0.00006; 1000 Genomes Project 30x 0.00016; 1000 Genomes Project 0.00020.

Submissions (2):

GeneDx
Classification: Uncertain significance. Last evaluated: 2024-05-01. Review status: criteria provided, single submitter. Criteria: GeneDx Variant Classification Process June 2021. Collection method: clinical testing. Allele origin: germline. Affected: yes.
Comment: In silico analysis supports that this missense variant has a deleterious effect on protein structure/function; Has not been previously published as pathogenic or benign to our knowledge

Ambry Genetics
Classification: Uncertain significance for Inborn genetic diseases. Last evaluated: 2022-05-26. Review status: criteria provided, single submitter. Criteria: Ambry Variant Classification Scheme 2023. Collection method: clinical testing. Allele origin: germline.

NM_001042545.2(LTBP4):c.2234C>T (p.Ser745Leu)

Gene: LTBP4 (latent transforming growth factor beta binding protein 4; plus strand). Cytogenetic location: 19q13.2.
Variant type: single nucleotide variant.
Coding change: c.2234C>T on transcript NM_001042545.2 (MANE Select); coding-DNA position 2234, C replaced by T.
Protein change: p.Ser745Leu; replaces serine 745 with leucine.
Molecular consequence: missense variant.
Genome position (GRCh38, 1-based): chr19:40,612,127, C>T. VCF-style: chr19-40612127-C-T. GRCh37 (hg19) VCF-style: chr19-41118033-C-T.
Other names: c.2435C>T, p.Ser812Leu (NM_001042544.1); c.2324C>T, p.Ser775Leu (NM_003573.2); short protein forms S745L, S812L, S775L.
Identifiers: ClinVar variation 2389494 (VCV002389494.3), dbSNP rs564851250, ClinGen allele CA9448592.